The following is an entry in ClinVar:

NM_021224.6(ZNF462):c.7209C>A (p.Asp2403Glu)

Genes: ZNF462 (zinc finger protein 462; plus strand), LOC340512 (uncharacterized LOC340512; minus strand). Cytogenetic location: 9q31.2.
Variant type: single nucleotide variant.
Coding change: c.7209C>A on transcript NM_021224.6 (MANE Select); coding-DNA position 7209, C replaced by A.
Protein change: p.Asp2403Glu; replaces aspartic acid 2403 with glutamic acid.
Molecular consequence: missense variant.
Genome position (GRCh38, 1-based): chr9:107,009,564, C>A. VCF-style: chr9-107009564-C-A. GRCh37 (hg19) VCF-style: chr9-109771845-C-A.
Other names: c.4614C>A, p.Asp1538Glu (NM_001347997.2); short protein forms D1538E, D2403E.
Identifiers: ClinVar variation 5018190 (VCV005018190.1).

ClinVar aggregate classification (germline): Uncertain significance (1 of 4 stars; one submission).

Submission:

GeneDx
Classification: Uncertain significance. Last evaluated: 2026-04-07. Review status: criteria provided, single submitter. Criteria: GeneDx Variant Classification Process June 2021. Collection method: clinical testing. Allele origin: germline.
Comment: Not observed at significant frequency in large population cohorts (gnomAD); In silico analysis suggests that this missense variant does not alter protein structure/function; Has not been previously published as pathogenic or benign to our knowledge